The following is an entry in ClinVar:

NM_003482.4(KMT2D):c.1554G>A (p.Ser518=)

Gene: KMT2D (lysine methyltransferase 2D; minus strand). Cytogenetic location: 12q13.12.
Variant type: single nucleotide variant.
Coding change: c.1554G>A on transcript NM_003482.4 (MANE Select); coding-DNA position 1554, G replaced by A.
Protein change: p.Ser518=; no amino-acid change (serine 518 retained).
Molecular consequence: synonymous variant.
Genome position (GRCh38, 1-based): chr12:49,052,129, C>T on the plus strand (G>A on the coding strand, the complement: KMT2D is on the minus strand). VCF-style: chr12-49052129-C-T. GRCh37 (hg19) VCF-style: chr12-49445912-C-T.
Identifiers: ClinVar variation 772604 (VCV000772604.9), dbSNP rs748339453, ClinGen allele CA6548461.

ClinVar aggregate classification (germline): Likely benign. Review status: criteria provided, single submitter (1 of 4 stars). 2 submissions from 2 submitters: Likely benign (1). 1 of the submissions does not count toward it. Last evaluated 2022-04-11.

Conditions:
KMT2D-related disorder. Also called: KMT2D-Related Disorders.
Kabuki syndrome. Also called: NIIKAWA-KUROKI SYNDROME; Kabuki make-up syndrome. Identifiers: Orphanet 2322, MedGen C0796004, MONDO:0016512.

Allele frequency attached by ClinVar (database versions not stated): ExAC 0.00007; gnomAD exomes 0.00003 and 0.00008; 1000 Genomes Project 30x 0.00016; gnomAD 0.00004 and 0.00003; TOPMed 0.00005.
gnomAD v4.1: 53 of 1,611,910 alleles (0.0033%); highest among the groups gnomAD compares: South Asian, 0.033%; no homozygotes.

Submissions (2):

Labcorp Genetics (formerly Invitae), Labcorp
Classification: Likely benign for Kabuki syndrome. Last evaluated: 2022-04-11. Review status: criteria provided, single submitter. Criteria: Invitae Variant Classification Sherloc (09022015). Collection method: clinical testing. Allele origin: germline.

PreventionGenetics, part of Exact Sciences
Classification: Likely benign for KMT2D-related condition. Last evaluated: 2023-02-21. Review status: no assertion criteria provided. Collection method: clinical testing. Allele origin: germline. Not counted in ClinVar's aggregate classification.
Comment: This variant is classified as likely benign based on ACMG/AMP sequence variant interpretation guidelines (Richards et al. 2015 PMID: 25741868, with internal and published modifications).